The following is an entry in ClinVar:

ClinVar aggregate classification (germline): Uncertain significance (1 of 4 stars; one submission).

Conditions:
Inborn genetic diseases. Identifiers: MedGen C0950123, MeSH D030342.

Submission:

Ambry Genetics
Classification: Uncertain significance for Inborn genetic diseases. Last evaluated: 2026-06-02. Review status: criteria provided, single submitter. Criteria: Ambry Variant Classification Scheme 2023. Collection method: clinical testing. Allele origin: germline.
Comment: The p.Q1508E variant (also known as c.4522C>G), located in coding exon 31 of the ANKRD26 gene, results from a C to G substitution at nucleotide position 4522. The glutamine at codon 1508 is replaced by glutamic acid, an amino acid with highly similar properties. This amino acid position is conserved. In addition, this alteration is predicted to be tolerated by in silico analysis. Based on the available evidence, the clinical significance of this variant remains unclear.

NM_014915.3(ANKRD26):c.4522C>G (p.Gln1508Glu)

Gene: ANKRD26 (ankyrin repeat domain 26; minus strand). Cytogenetic location: 10p12.1.
Variant type: single nucleotide variant.
Coding change: c.4522C>G on transcript NM_014915.3 (MANE Select); coding-DNA position 4522, C replaced by G.
Protein change: p.Gln1508Glu; replaces glutamine 1508 with glutamic acid.
Molecular consequence: missense variant.
Genome position (GRCh38, 1-based): chr10:27,014,696, G>C on the plus strand (C>G on the coding strand, the complement: ANKRD26 is on the minus strand). VCF-style: chr10-27014696-G-C. GRCh37 (hg19) VCF-style: chr10-27303625-G-C.
Other names: c.4519C>G, p.Gln1507Glu (NM_001256053.2); short protein forms Q1507E, Q1508E.
Identifiers: ClinVar variation 4859941 (VCV004859941.1).